The following is an entry in ClinVar:

NM_014000.3(VCL):c.1543+6G>A

Gene: VCL (vinculin; plus strand). Cytogenetic location: 10q22.2.
Variant type: single nucleotide variant.
Coding change: c.1543+6G>A on transcript NM_014000.3 (MANE Select); 6 bases into the intron after coding-DNA position 1543, G replaced by A.
Molecular consequence: intron variant.
Genome position (GRCh38, 1-based): chr10:74,094,467, G>A. VCF-style: chr10-74094467-G-A. GRCh37 (hg19) VCF-style: chr10-75854225-G-A.
Other names: c.1543+6G>A (NM_003373.4).
Identifiers: ClinVar variation 963294 (VCV000963294.9), dbSNP rs1839934992, ClinGen allele CA1139661513.

ClinVar aggregate classification (germline): Uncertain significance (1 of 4 stars; one submission).

Conditions:
Dilated cardiomyopathy 1W (CMD1W). Identifiers: Orphanet 154, MedGen C1969639, MONDO:0012667, OMIM 611407.

Allele frequency attached by ClinVar (database versions not stated): gnomAD exomes below 0.00001.
gnomAD v4.1: 6 of 1,612,588 alleles (0.00037%); highest among the groups gnomAD compares: Non-Finnish European, 0.00025%; no homozygotes.

Submission:

Labcorp Genetics (formerly Invitae), Labcorp
Classification: Uncertain significance for Dilated cardiomyopathy 1W. Last evaluated: 2019-09-30. Review status: criteria provided, single submitter. Criteria: Invitae Variant Classification Sherloc (09022015). Collection method: clinical testing. Allele origin: germline.
Comment: In summary, the available evidence is currently insufficient to determine the role of this variant in disease. Therefore, it has been classified as a Variant of Uncertain Significance. Nucleotide substitutions within the consensus splice site are a relatively common cause of aberrant splicing (PMID: 17576681, 9536098). Algorithms developed to predict the effect of sequence changes on RNA splicing suggest that this variant is not likely to affect RNA splicing, but this prediction has not been confirmed by published transcriptional studies. This variant has not been reported in the literature in individuals with VCL-related conditions. This variant is not present in population databases (ExAC no frequency). This sequence change falls in intron 11 of the VCL gene. It does not directly change the encoded amino acid sequence of the VCL protein, but it affects a nucleotide within the consensus splice site of the intron.

Literature cited by the submitters: PubMed 17576681; PubMed 9536098.